The following is an entry in ClinVar:

NM_001077350.3(NPRL3):c.667A>G (p.Ser223Gly)

Genes: HBA-LCR (alpha-globin locus control region; plus strand), NPRL3 (NPR3 like, GATOR1 complex subunit; minus strand). Cytogenetic location: 16p13.3.
Variant type: single nucleotide variant.
Coding change: c.667A>G on transcript NM_001077350.3 (MANE Select); coding-DNA position 667, A replaced by G.
Protein change: p.Ser223Gly; replaces serine 223 with glycine.
Molecular consequence: missense variant.
Genome position (GRCh38, 1-based): chr16:100,472, T>C on the plus strand (A>G on the coding strand, the complement: NPRL3 is on the minus strand). VCF-style: chr16-100472-T-C. GRCh37 (hg19) VCF-style: chr16-150470-T-C.
Other names: c.130A>G, p.Ser44Gly (NM_001039476.3); c.433A>G, p.Ser145Gly (NM_001243247.2); c.592A>G, p.Ser198Gly (NM_001243248.2, NM_001243249.2); short protein forms S145G, S198G, S223G, S44G.
Identifiers: ClinVar variation 2120309 (VCV002120309.4), dbSNP rs2542832536, ClinGen allele CA393990941.

ClinVar aggregate classification (germline): Uncertain significance (1 of 4 stars; one submission).

Conditions:
Epilepsy, familial focal, with variable foci 3 (FFEVF3). Identifiers: MedGen C4310708, MONDO:0014925, OMIM 617118.

Submission:

Labcorp Genetics (formerly Invitae), Labcorp
Classification: Uncertain significance for Epilepsy, familial focal, with variable foci 3. Last evaluated: 2023-02-08. Review status: criteria provided, single submitter. Criteria: Invitae Variant Classification Sherloc (09022015). Collection method: clinical testing. Allele origin: germline.
Comment: This variant has not been reported in the literature in individuals affected with NPRL3-related conditions. In summary, the available evidence is currently insufficient to determine the role of this variant in disease. Therefore, it has been classified as a Variant of Uncertain Significance. Advanced modeling of protein sequence and biophysical properties (such as structural, functional, and spatial information, amino acid conservation, physicochemical variation, residue mobility, and thermodynamic stability) performed at Invitae indicates that this missense variant is not expected to disrupt NPRL3 protein function. This variant is not present in population databases (gnomAD no frequency). This sequence change replaces serine, which is neutral and polar, with glycine, which is neutral and non-polar, at codon 223 of the NPRL3 protein (p.Ser223Gly).